The following is an entry in ClinVar:

ClinVar aggregate classification (germline): Conflicting classifications of pathogenicity. Review status: criteria provided, conflicting classifications (1 of 4 stars). 4 submissions from 4 submitters: Uncertain significance (3); Benign (1). Last evaluated 2025-05-13.

Conditions:
Bethlem myopathy 1A. Also called: MYOPATHY, BENIGN CONGENITAL, WITH CONTRACTURES; Bethlem myopathy 1; Bethlem Muscular Dystrophy. Identifiers: Orphanet 610, MedGen CN029274, MONDO:0024530, OMIM 158810.

Allele frequency attached by ClinVar (database versions not stated): gnomAD exomes 0.00003 and 0.00005; TOPMed 0.00003; ExAC 0.00004; gnomAD 0.00005 and 0.00007; 1000 Genomes Project 0.00060; 1000 Genomes Project 30x 0.00078.
gnomAD v4.1: 87 of 1,612,194 alleles (0.0054%); highest among the groups gnomAD compares: South Asian, 0.023%; no homozygotes.

Submissions (4):

Women's Health and Genetics/Laboratory Corporation of America, LabCorp
Classification: Uncertain significance. Last evaluated: 2025-05-13. Review status: criteria provided, single submitter. Criteria: LabCorp Variant Classification Summary - May 2015. Collection method: clinical testing. Allele origin: germline.
Comment: Variant summary: COL6A2 c.1780G>A (p.Val594Ile) results in a conservative amino acid change in the encoded protein sequence. Algorithms developed to predict the effect of missense changes on protein structure and function are either unavailable or do not agree on the potential impact of this missense change. The variant allele was found at a frequency of 2.8e-05 in 249790 control chromosomes. The available data on variant occurrences in the general population are insufficient to allow any conclusion about variant significance. To our knowledge, no occurrence of c.1780G>A in individuals affected with Collagen Type VI-Related Disorders and no experimental evidence demonstrating its impact on protein function have been reported. ClinVar contains an entry for this variant (Variation ID: 862904). Based on the evidence outlined above, the variant was classified as uncertain significance.

Labcorp Genetics (formerly Invitae), Labcorp
Classification: Benign for Bethlem myopathy 1A. Last evaluated: 2024-05-05. Review status: criteria provided, single submitter. Criteria: Invitae Variant Classification Sherloc (09022015). Collection method: clinical testing. Allele origin: germline.

Blueprint Genetics
Classification: Uncertain significance. Last evaluated: 2024-02-26. Review status: criteria provided, single submitter. Criteria: ACMG Guidelines, 2015. Collection method: clinical testing. Allele origin: germline.

Revvity Omics, Revvity
Classification: Uncertain significance. Last evaluated: 2020-08-17. Review status: criteria provided, single submitter. Criteria: ACMG Guidelines, 2015. Collection method: clinical testing. Allele origin: germline.

NM_001849.4(COL6A2):c.1780G>A (p.Val594Ile)

Gene: COL6A2 (collagen type VI alpha 2 chain; plus strand). Cytogenetic location: 21q22.3.
Variant type: single nucleotide variant.
Coding change: c.1780G>A on transcript NM_001849.4 (MANE Select); coding-DNA position 1780, G replaced by A.
Protein change: p.Val594Ile; replaces valine 594 with isoleucine.
Molecular consequence: missense variant.
Genome position (GRCh38, 1-based): chr21:46,125,275, G>A. VCF-style: chr21-46125275-G-A. GRCh37 (hg19) VCF-style: chr21-47545189-G-A.
Other names: c.1780G>A, p.Val594Ile (NM_058174.3, NM_058175.3); short protein forms V594I.
Identifiers: ClinVar variation 862904 (VCV000862904.14), dbSNP rs541785316, ClinGen allele CA10072212.